The following is an entry in ClinVar:

NM_001099403.2(PRDM8):c.121T>G (p.Phe41Val)

Gene: PRDM8 (PR/SET domain 8; plus strand). Cytogenetic location: 4q21.21.
Variant type: single nucleotide variant.
Coding change: c.121T>G on transcript NM_001099403.2 (MANE Select); coding-DNA position 121, T replaced by G.
Protein change: p.Phe41Val; replaces phenylalanine 41 with valine.
Molecular consequence: missense variant.
Genome position (GRCh38, 1-based): chr4:80,200,201, T>G. VCF-style: chr4-80200201-T-G. GRCh37 (hg19) VCF-style: chr4-81121355-T-G.
Other names: c.121T>G, p.Phe41Val (NM_020226.4); short protein forms F41V.
Identifiers: ClinVar variation 1389691 (VCV001389691.6), dbSNP rs1199491730, ClinGen allele CA357391372.

ClinVar aggregate classification (germline): Uncertain significance (1 of 4 stars; one submission).

Conditions:
Early-onset Lafora body disease. Also called: Epilepsy, progressive myoclonic, 10. Identifiers: Orphanet 324290, MedGen C4225258, MONDO:0014717, OMIM 616640.

Submission:

Labcorp Genetics (formerly Invitae), Labcorp
Classification: Uncertain significance for Early-onset Lafora body disease. Last evaluated: 2023-12-11. Review status: criteria provided, single submitter. Criteria: Invitae Variant Classification Sherloc (09022015). Collection method: clinical testing. Allele origin: germline.
Comment: This sequence change replaces phenylalanine, which is neutral and non-polar, with valine, which is neutral and non-polar, at codon 41 of the PRDM8 protein (p.Phe41Val). This variant is not present in population databases (gnomAD no frequency). This variant has not been reported in the literature in individuals affected with PRDM8-related conditions. ClinVar contains an entry for this variant (Variation ID: 1389691). Advanced modeling of protein sequence and biophysical properties (such as structural, functional, and spatial information, amino acid conservation, physicochemical variation, residue mobility, and thermodynamic stability) has been performed at Invitae for this missense variant, however the output from this modeling did not meet the statistical confidence thresholds required to predict the impact of this variant on PRDM8 protein function. In summary, the available evidence is currently insufficient to determine the role of this variant in disease. Therefore, it has been classified as a Variant of Uncertain Significance.